The following is an entry in ClinVar:

NM_001371596.2(MFSD8):c.178A>G (p.Ile60Val)

Gene: MFSD8 (major facilitator superfamily domain containing 8; minus strand). Cytogenetic location: 4q28.2.
Variant type: single nucleotide variant.
Coding change: c.178A>G on transcript NM_001371596.2 (MANE Select); coding-DNA position 178, A replaced by G.
Protein change: p.Ile60Val; replaces isoleucine 60 with valine.
Molecular consequence: missense variant.
Genome position (GRCh38, 1-based): chr4:127,949,824, T>C on the plus strand (A>G on the coding strand, the complement: MFSD8 is on the minus strand). VCF-style: chr4-127949824-T-C. GRCh37 (hg19) VCF-style: chr4-128870979-T-C.
Other names: c.178A>G, p.Ile60Val (NM_001363520.3, NM_001363521.3, NM_001371591.2 and 5 more transcripts); c.43A>G, p.Ile15Val (NM_001371590.2, NM_001371595.1, NM_001410765.1); short protein forms I60V, I15V.
Identifiers: ClinVar variation 1379078 (VCV001379078.7), dbSNP rs143902749, ClinGen allele CA105691526.

ClinVar aggregate classification (germline): Uncertain significance. Review status: criteria provided, multiple submitters, no conflicts (2 of 4 stars). 2 submissions from 2 submitters: Uncertain significance (2). Last evaluated 2022-08-23.

Conditions:
Neuronal ceroid lipofuscinosis 7 (CLN7). Also called: MFSD8-Related Neuronal Ceroid-Lipofuscinosis. Identifiers: Orphanet 168491, Orphanet 228366, MedGen C1838571, MONDO:0012588, OMIM 610951.

Allele frequency attached by ClinVar (database versions not stated): gnomAD exomes below 0.00001 and 0.00001; TOPMed 0.00001; gnomAD 0.00002; ESP Exome Variant Server 0.00008.
gnomAD v4.1: 5 of 1,612,182 alleles (0.00031%); highest among the groups gnomAD compares: African/African-American, 0.0027%; no homozygotes.

Submissions (2):

Labcorp Genetics (formerly Invitae), Labcorp
Classification: Uncertain significance for Neuronal ceroid lipofuscinosis 7. Last evaluated: 2022-08-23. Review status: criteria provided, single submitter. Criteria: Invitae Variant Classification Sherloc (09022015). Collection method: clinical testing. Allele origin: germline.
Comment: This sequence change replaces isoleucine, which is neutral and non-polar, with valine, which is neutral and non-polar, at codon 60 of the MFSD8 protein (p.Ile60Val). This variant is present in population databases (rs143902749, gnomAD 0.007%). This variant has not been reported in the literature in individuals affected with MFSD8-related conditions. ClinVar contains an entry for this variant (Variation ID: 1379078). Algorithms developed to predict the effect of missense changes on protein structure and function output the following: SIFT: "Tolerated"; PolyPhen-2: "Benign"; Align-GVGD: "Class C0". The valine amino acid residue is found in multiple mammalian species, which suggests that this missense change does not adversely affect protein function. Algorithms developed to predict the effect of sequence changes on RNA splicing suggest that this variant may create or strengthen a splice site. In summary, the available evidence is currently insufficient to determine the role of this variant in disease. Therefore, it has been classified as a Variant of Uncertain Significance.

Blueprint Genetics
Classification: Uncertain significance. Last evaluated: 2022-06-14. Review status: criteria provided, single submitter. Criteria: ACMG Guidelines, 2015. Collection method: clinical testing. Allele origin: germline.